The following is an entry in ClinVar:

NM_173660.5(DOK7):c.1515A>G (p.Ter505Trp)

Gene: DOK7 (docking protein 7; plus strand). Cytogenetic location: 4p16.3.
Variant type: single nucleotide variant.
Coding change: c.1515A>G on transcript NM_173660.5 (MANE Select); coding-DNA position 1515, A replaced by G.
Protein change: p.Ter505Trp.
Molecular consequence: stop lost. On other transcripts: 3 prime UTR variant (1), intron variant (2).
Genome position (GRCh38, 1-based): chr4:3,493,501, A>G. VCF-style: chr4-3493501-A-G. GRCh37 (hg19) VCF-style: chr4-3495228-A-G.
Other names: *505W; *195W; c.*736A>G (NM_001164673.2); c.585A>G, p.Ter195Trp (NM_001256896.2); c.1497+18A>G (NM_001301071.2); c.1065+18A>G (NM_001363811.2).
Identifiers: ClinVar variation 465681 (VCV000465681.11), dbSNP rs1553850437, ClinGen allele CA356118101.
Genomic context (GRCh38, chr4:3,493,501, plus strand): 5'-CCCGGCTTTCTTTTCGGCATGTCCAGTCTGTGGAGGACTCAAGGTAAACCCCCCTCCTTG[A>G]GAGCCGCAGATCCCGCCCCGCGGCTGCAAAGGGGCTGAATTTGCCCCCAGATGGCAGAGG-3'

ClinVar aggregate classification (germline): Uncertain significance (1 of 4 stars; one submission).

Conditions:
Fetal akinesia deformation sequence 1 (FADS1). Also called: Fetal akinesia sequence; Pena-Shokeir syndrome type I. Identifiers: Orphanet 994, MedGen C1276035, MONDO:0100101, OMIM 208150, HP:0001989.
Congenital myasthenic syndrome 10. Also called: Myasthenia, limb-girdle, familial. Identifiers: Orphanet 590, MedGen C1850792, MONDO:0009690, OMIM 254300.

Submission:

Labcorp Genetics (formerly Invitae), Labcorp
Classification: Uncertain significance for Congenital myasthenic syndrome 10; Fetal akinesia deformation sequence 1. Last evaluated: 2016-08-06. Review status: criteria provided, single submitter. Criteria: Invitae Variant Classification Sherloc (09022015). Collection method: clinical testing. Allele origin: germline.
Comment: In summary, this is a novel variant that extends the reading frame of the DOK7 protein. While a similar variant has been reported in an affected individual, the evidence is currently insufficient to conclusively determine this variant's role in disease. Therefore, it has been classified as a Variant of Uncertain Significance. A different variant (c.1513T>C) giving rise to the same protein effect observed here (p.*505Trpext*182) has been reported in a patient affected with congenital myasthenic syndrome (PMID: 18626973). This variant was observed on the opposite chromosome (in trans) from a likely pathogenic variant (PMID: 18626973). This finding is consistent with autosomal recessive inheritance, and suggests that this variant contributes to disease. While this variant is not present in population databases, the frequency information is unreliable, as metrics indicate poor data quality at this position in the ExAC database. This sequence change disrupts the translational stop signal of the DOK7 mRNA. It is expected to extend the length of the DOK7 protein by 182 additional amino acid residues (p.*505Trpext*182).

Literature cited by the submitters: PubMed 18626973.